The following is an entry in ClinVar:

ClinVar aggregate classification (germline): Uncertain significance (1 of 4 stars; one submission).

Conditions:
Retinitis pigmentosa 33 (RP33). Identifiers: Orphanet 791, MedGen C1835895, MONDO:0012477, OMIM 610359.

Allele frequency attached by ClinVar (database versions not stated): gnomAD exomes 0.00001; TOPMed 0.00001; ExAC 0.00002.
gnomAD v4.1: 22 of 1,614,228 alleles (0.0014%); highest among the groups gnomAD compares: Non-Finnish European, 0.0018%; no homozygotes.

Submission:

Centre for Mendelian Genomics, University Medical Centre Ljubljana
Classification: Uncertain significance for Retinitis pigmentosa 33. Last evaluated: 2019-07-25. Review status: criteria provided, single submitter. Criteria: ACMG Guidelines, 2015. Collection method: clinical testing. Allele origin: unknown. Affected: yes.
Comment: This variant was classified as: Uncertain significance. The available evidence on this variant's pathogenicity is insufficient or conflicting. The following ACMG criteria were applied in classifying this variant: PM2.

NM_014014.5(SNRNP200):c.557A>G (p.Lys186Arg)

Gene: SNRNP200 (small nuclear ribonucleoprotein U5 subunit 200; minus strand). Cytogenetic location: 2q11.2.
Variant type: single nucleotide variant.
Coding change: c.557A>G on transcript NM_014014.5 (MANE Select); coding-DNA position 557, A replaced by G.
Protein change: p.Lys186Arg; replaces lysine 186 with arginine.
Molecular consequence: missense variant.
Genome position (GRCh38, 1-based): chr2:96,301,541, T>C on the plus strand (A>G on the coding strand, the complement: SNRNP200 is on the minus strand). VCF-style: chr2-96301541-T-C. GRCh37 (hg19) VCF-style: chr2-96967279-T-C.
Other names: short protein forms K186R.
Identifiers: ClinVar variation 932139 (VCV000932139.3), dbSNP rs767984565, ClinGen allele CA1779178.